The following is an entry in ClinVar:

ClinVar aggregate classification (germline): Uncertain significance (1 of 4 stars; one submission).

Submission:

GeneDx
Classification: Uncertain significance. Last evaluated: 2024-01-31. Review status: criteria provided, single submitter. Criteria: GeneDx Variant Classification Process June 2021. Collection method: clinical testing. Allele origin: germline. Affected: yes.
Comment: Not observed at significant frequency in large population cohorts (gnomAD); Missense variant in a gene in which most reported pathogenic variants are loss of function; Has not been previously published as pathogenic or benign to our knowledge

NM_001267550.2(TTN):c.62656G>C (p.Asp20886His)

Genes: TTN (titin; minus strand), TTN-AS1 (TTN antisense RNA 1; plus strand). Cytogenetic location: 2q31.2.
Variant type: single nucleotide variant.
Coding change: c.62656G>C on transcript NM_001267550.2 (MANE Select); coding-DNA position 62656, G replaced by C.
Protein change: p.Asp20886His; replaces aspartic acid 20886 with histidine.
Molecular consequence: missense variant.
Genome position (GRCh38, 1-based): chr2:178,589,069, C>G on the plus strand (G>C on the coding strand, the complement: TTN is on the minus strand). VCF-style: chr2-178589069-C-G. GRCh37 (hg19) VCF-style: chr2-179453796-C-G.
Other names: c.57733G>C, p.Asp19245His (NM_001256850.1); c.35461G>C, p.Asp11821His (NM_003319.4); c.54952G>C, p.Asp18318His (NM_133378.4); c.35836G>C, p.Asp11946His (NM_133432.3); c.36037G>C, p.Asp12013His (NM_133437.4); short protein forms D11821H, D11946H, D12013H, D18318H, D19245H, D20886H.
Identifiers: ClinVar variation 3368436 (VCV003368436.1).